The following is an entry in ClinVar:

ClinVar aggregate classification (germline): Uncertain significance (1 of 4 stars; one submission).

Conditions:
Primary ciliary dyskinesia 30. Also called: CILIARY DYSKINESIA, PRIMARY, 30, WITH OR WITHOUT SITUS INVERSUS. Identifiers: Orphanet 244, MedGen C4015016, MONDO:0014465, OMIM 616037.

Allele frequency attached by ClinVar (database versions not stated): TOPMed below 0.00001; ExAC 0.00002; gnomAD exomes 0.00002.

Submission:

Labcorp Genetics (formerly Invitae), Labcorp
Classification: Uncertain significance for Primary ciliary dyskinesia 30. Last evaluated: 2022-12-02. Review status: criteria provided, single submitter. Criteria: Invitae Variant Classification Sherloc (09022015). Collection method: clinical testing. Allele origin: germline.
Comment: In summary, the available evidence is currently insufficient to determine the role of this variant in disease. Therefore, it has been classified as a Variant of Uncertain Significance. Algorithms developed to predict the effect of missense changes on protein structure and function output the following: SIFT: "Tolerated"; PolyPhen-2: "Benign"; Align-GVGD: "Class C0". The phenylalanine amino acid residue is found in multiple mammalian species, which suggests that this missense change does not adversely affect protein function. This variant has not been reported in the literature in individuals affected with CCDC151-related conditions. This variant is present in population databases (rs770356866, gnomAD 0.003%). This sequence change replaces serine, which is neutral and polar, with phenylalanine, which is neutral and non-polar, at codon 250 of the CCDC151 protein (p.Ser250Phe).

NM_145045.5(ODAD3):c.749C>T (p.Ser250Phe)

Gene: ODAD3 (outer dynein arm docking complex subunit 3; minus strand). Cytogenetic location: 19p13.2.
Variant type: single nucleotide variant.
Coding change: c.749C>T on transcript NM_145045.5 (MANE Select); coding-DNA position 749, C replaced by T.
Protein change: p.Ser250Phe; replaces serine 250 with phenylalanine.
Molecular consequence: missense variant.
Genome position (GRCh38, 1-based): chr19:11,426,537, G>A on the plus strand (C>T on the coding strand, the complement: ODAD3 is on the minus strand). VCF-style: chr19-11426537-G-A. GRCh37 (hg19) VCF-style: chr19-11537357-G-A.
Other names: c.587C>T, p.Ser196Phe (NM_001302453.1); c.569C>T, p.Ser190Phe (NM_001302454.2); short protein forms S196F, S190F, S250F.
Identifiers: ClinVar variation 2745527 (VCV002745527.3), dbSNP rs770356866, ClinGen allele CA9212273.